The following is an entry in ClinVar:

ClinVar aggregate classification (germline): Uncertain significance. Review status: criteria provided, multiple submitters, no conflicts (2 of 4 stars). 2 submissions from 2 submitters: Uncertain significance (2). Last evaluated 2022-02-21.

Conditions:
Hereditary cancer-predisposing syndrome. Also called: Tumor predisposition; Hereditary Cancer Syndrome; Hereditary neoplastic syndrome; Neoplastic Syndromes, Hereditary. Identifiers: Orphanet 140162, MedGen C0027672, MeSH D009386, MONDO:0015356.

Submissions (2):

Labcorp Genetics (formerly Invitae), Labcorp
Classification: Uncertain significance for Hereditary cancer-predisposing syndrome. Last evaluated: 2022-02-21. Review status: criteria provided, single submitter. Criteria: Invitae Variant Classification Sherloc (09022015). Collection method: clinical testing. Allele origin: germline.
Comment: This sequence change replaces lysine, which is basic and polar, with asparagine, which is neutral and polar, at codon 1126 of the RAD50 protein (p.Lys1126Asn). This variant is not present in population databases (gnomAD no frequency). This variant has not been reported in the literature in individuals affected with RAD50-related conditions. ClinVar contains an entry for this variant (Variation ID: 486261). Algorithms developed to predict the effect of missense changes on protein structure and function are either unavailable or do not agree on the potential impact of this missense change (SIFT: "Tolerated"; PolyPhen-2: "Possibly Damaging"; Align-GVGD: "Class C0"). In summary, the available evidence is currently insufficient to determine the role of this variant in disease. Therefore, it has been classified as a Variant of Uncertain Significance.

Ambry Genetics
Classification: Uncertain significance for Hereditary cancer-predisposing syndrome. Last evaluated: 2017-06-07. Review status: criteria provided, single submitter. Criteria: Ambry Variant Classification Scheme 2023. Collection method: clinical testing. Allele origin: germline.
Comment: The p.K1126N variant (also known as c.3378G>C), located in coding exon 21 of the RAD50 gene, results from a G to C substitution at nucleotide position 3378. The lysine at codon 1126 is replaced by asparagine, an amino acid with similar properties. This amino acid position is highly conserved in available vertebrate species. In addition, this alteration is predicted to be tolerated by in silico analysis. Since supporting evidence is limited at this time, the clinical significance of this alteration remains unclear.

NM_005732.4(RAD50):c.3378G>C (p.Lys1126Asn)

Gene: RAD50 (RAD50 double strand break repair protein; plus strand). Cytogenetic location: 5q31.1.
Variant type: single nucleotide variant.
Coding change: c.3378G>C on transcript NM_005732.4 (MANE Select); coding-DNA position 3378, G replaced by C.
Protein change: p.Lys1126Asn; replaces lysine 1126 with asparagine.
Molecular consequence: missense variant.
Genome position (GRCh38, 1-based): chr5:132,618,283, G>C. VCF-style: chr5-132618283-G-C. GRCh37 (hg19) VCF-style: chr5-131953975-G-C.
Other names: short protein forms K1126N.
Identifiers: ClinVar variation 486261 (VCV000486261.10), dbSNP rs1554099891, ClinGen allele CA360965041.